The following is an entry in ClinVar:

NM_001004334.4(GPR179):c.2866C>A (p.Pro956Thr)

Gene: GPR179 (G protein-coupled receptor 179; minus strand). Cytogenetic location: 17q12.
Variant type: single nucleotide variant.
Coding change: c.2866C>A on transcript NM_001004334.4 (MANE Select); coding-DNA position 2866, C replaced by A.
Protein change: p.Pro956Thr; replaces proline 956 with threonine.
Molecular consequence: missense variant.
Genome position (GRCh38, 1-based): chr17:38,330,703, G>T on the plus strand (C>A on the coding strand, the complement: GPR179 is on the minus strand). VCF-style: chr17-38330703-G-T. GRCh37 (hg19) VCF-style: chr17-36486586-G-T.
Other names: c.2866C>A (NM_001004334.2); short protein forms P956T.
Identifiers: ClinVar variation 1348156 (VCV001348156.4), dbSNP rs532501243, ClinGen allele CA290105513.

ClinVar aggregate classification (germline): Uncertain significance. Review status: criteria provided, multiple submitters, no conflicts (2 of 4 stars). 2 submissions from 2 submitters: Uncertain significance (2). Last evaluated 2022-01-19.

Conditions:
Inborn genetic diseases. Identifiers: MedGen C0950123, MeSH D030342.

Allele frequency attached by ClinVar (database versions not stated): TOPMed below 0.00001; gnomAD 0.00005; gnomAD exomes 0.00008 and 0.00014; 1000 Genomes Project 30x 0.00016; 1000 Genomes Project 0.00020; ExAC 0.00020.
gnomAD v4.1: 119 of 1,597,564 alleles (0.0074%); highest among the groups gnomAD compares: South Asian, 0.13%; 1 homozygote.

Submissions (2):

Ambry Genetics
Classification: Uncertain significance for Inborn genetic diseases. Last evaluated: 2022-01-19. Review status: criteria provided, single submitter. Criteria: Ambry Variant Classification Scheme 2023. Collection method: clinical testing. Allele origin: germline.

Labcorp Genetics (formerly Invitae), Labcorp
Classification: Uncertain significance. Last evaluated: 2021-10-06. Review status: criteria provided, single submitter. Criteria: Invitae Variant Classification Sherloc (09022015). Collection method: clinical testing. Allele origin: germline.
Comment: This sequence change replaces proline with threonine at codon 956 of the GPR179 protein (p.Pro956Thr). The proline residue is moderately conserved and there is a small physicochemical difference between proline and threonine. This variant is present in population databases (rs532501243, ExAC 0.2%). This variant has not been reported in the literature in individuals affected with GPR179-related conditions. Algorithms developed to predict the effect of missense changes on protein structure and function are either unavailable or do not agree on the potential impact of this missense change (SIFT: "Deleterious"; PolyPhen-2: "Probably Damaging"; Align-GVGD: "Class C0"). In summary, the available evidence is currently insufficient to determine the role of this variant in disease. Therefore, it has been classified as a Variant of Uncertain Significance.